The following is an entry in ClinVar:

ClinVar aggregate classification (germline): Likely pathogenic (1 of 4 stars; one submission).

Conditions:
Autosomal dominant WDFY3-related disorders.

Submission:

Variantyx, Inc.
Classification: Likely pathogenic for Autosomal dominant WDFY3-related disorders. Last evaluated: 2025-10-27. Review status: criteria provided, single submitter. Criteria: Variantyx Assertion Criteria 2022. Collection method: clinical testing. Allele origin: germline. Inheritance: Autosomal dominant inheritance. Affected: yes.
Comment: This is a frameshift variant in the WDFY3 gene (OMIM: 617485). Pathogenic variants in this gene have been associated with autosomal dominant WDFY3-related neurodevelopmental disorder. This variant introduces a premature termination codon in exon 36 out of 68 and is expected to result in loss of function, which is a known disease mechanism for WDFY3 in this disorder (PMID: 25198012, 31327001) (PVS1). This variant is absent from control populations (PM2) and has not been reported in individuals with WDFY3-related disorders in the databases available for review. Based on the current evidence, this variant is classified as likely pathogenic for autosomal dominant WDFY3-related neurodevelopmental disorder.

Literature cited by the submitters: PubMed 25198012; PubMed 31327001.

NM_014991.6(WDFY3):c.5943del (p.Lys1981fs)

Gene: WDFY3 (WD repeat and FYVE domain containing 3; minus strand). Cytogenetic location: 4q21.23.
Variant type: Deletion.
Coding change: c.5943del on transcript NM_014991.6 (MANE Select); coding-DNA position 5943, one base deleted (G; older notation c.5943delG).
Protein change: p.Lys1981fs; shifts the reading frame from lysine 1981.
Molecular consequence: frameshift variant.
Genome position (GRCh38, 1-based): chr4:84,751,513, C deleted on the plus strand (G on the coding strand, the reverse complement: WDFY3 is on the minus strand). VCF-style (leftmost placement, unchanged base first): chr4-84751512-GC-G. GRCh37 (hg19) VCF-style: chr4-85672665-GC-G.
Other names: short protein forms K1981fs.
Identifiers: ClinVar variation 4813738 (VCV004813738.1).